The following is an entry in ClinVar:

NM_004629.2(FANCG):c.1260G>C (p.Leu420Phe)

Gene: FANCG (FA complementation group G; minus strand). Cytogenetic location: 9p13.3.
Variant type: single nucleotide variant.
Coding change: c.1260G>C on transcript NM_004629.2 (MANE Select); coding-DNA position 1260, G replaced by C.
Protein change: p.Leu420Phe; replaces leucine 420 with phenylalanine.
Molecular consequence: missense variant.
Genome position (GRCh38, 1-based): chr9:35,075,638, C>G on the plus strand (G>C on the coding strand, the complement: FANCG is on the minus strand). VCF-style: chr9-35075638-C-G. GRCh37 (hg19) VCF-style: chr9-35075635-C-G.
Other names: short protein forms L420F.
Identifiers: ClinVar variation 5036505 (VCV005036505.1).

ClinVar aggregate classification (germline): Uncertain significance (1 of 4 stars; one submission).

Conditions:
Inborn genetic diseases. Identifiers: MedGen C0950123, MeSH D030342.

gnomAD v4.1: 1 of 1,613,642 alleles (0.000062%); highest among the groups gnomAD compares: Non-Finnish European, 0.000085%; no homozygotes.

Submission:

Ambry Genetics
Classification: Uncertain significance for Inborn genetic diseases. Last evaluated: 2026-07-12. Review status: criteria provided, single submitter. Criteria: Ambry Variant Classification Scheme 2023. Collection method: clinical testing. Allele origin: germline.
Comment: The p.L420F variant (also known as c.1260G>C), located in coding exon 10 of the FANCG gene, results from a G to C substitution at nucleotide position 1260. The leucine at codon 420 is replaced by phenylalanine, an amino acid with highly similar properties. This amino acid position is conserved. In addition, this alteration is predicted to be tolerated by in silico analysis. Based on the available evidence, the clinical significance of this variant remains unclear.